The following is an entry in ClinVar:

NM_000824.5(GLRB):c.1466A>G (p.Asn489Ser)

Gene: GLRB (glycine receptor beta; plus strand). Cytogenetic location: 4q32.1.
Variant type: single nucleotide variant.
Coding change: c.1466A>G on transcript NM_000824.5 (MANE Select); coding-DNA position 1466, A replaced by G.
Protein change: p.Asn489Ser; replaces asparagine 489 with serine.
Molecular consequence: missense variant. On other transcripts: 3 prime UTR variant (1).
Genome position (GRCh38, 1-based): chr4:157,170,700, A>G. VCF-style: chr4-157170700-A-G. GRCh37 (hg19) VCF-style: chr4-158091852-A-G.
Other names: c.1466A>G (NM_000824.4); c.1466A>G, p.Asn489Ser (NM_001166060.2); c.*261A>G (NM_001166061.2); short protein forms N489S.
Identifiers: ClinVar variation 1498307 (VCV001498307.9), dbSNP rs964531745, ClinGen allele CA109167800.

ClinVar aggregate classification (germline): Uncertain significance. Review status: criteria provided, multiple submitters, no conflicts (2 of 4 stars). 2 submissions from 2 submitters: Uncertain significance (2). Last evaluated 2022-10-26.

Conditions:
Inborn genetic diseases. Identifiers: MedGen C0950123, MeSH D030342.
Hyperekplexia 2 (HKPX2). Identifiers: Orphanet 3197, MedGen C3553291, MONDO:0013828, OMIM 614619.

Allele frequency attached by ClinVar (database versions not stated): gnomAD exomes below 0.00001; gnomAD 0.00001; TOPMed 0.00001.
gnomAD v4.1: 6 of 1,578,520 alleles (0.00038%); highest among the groups gnomAD compares: Non-Finnish European, 0.00052%; no homozygotes.

Submissions (2):

Ambry Genetics
Classification: Uncertain significance for Inborn genetic diseases. Last evaluated: 2022-10-26. Review status: criteria provided, single submitter. Criteria: Ambry Variant Classification Scheme 2023. Collection method: clinical testing. Allele origin: germline.

Labcorp Genetics (formerly Invitae), Labcorp
Classification: Uncertain significance for Hyperekplexia 2. Last evaluated: 2022-10-05. Review status: criteria provided, single submitter. Criteria: Invitae Variant Classification Sherloc (09022015). Collection method: clinical testing. Allele origin: germline.
Comment: This sequence change replaces asparagine, which is neutral and polar, with serine, which is neutral and polar, at codon 489 of the GLRB protein (p.Asn489Ser). This variant is not present in population databases (gnomAD no frequency). This variant has not been reported in the literature in individuals affected with GLRB-related conditions. ClinVar contains an entry for this variant (Variation ID: 1498307). Advanced modeling of protein sequence and biophysical properties (such as structural, functional, and spatial information, amino acid conservation, physicochemical variation, residue mobility, and thermodynamic stability) performed at Invitae indicates that this missense variant is not expected to disrupt GLRB protein function. Algorithms developed to predict the effect of sequence changes on RNA splicing suggest that this variant may create or strengthen a splice site. In summary, the available evidence is currently insufficient to determine the role of this variant in disease. Therefore, it has been classified as a Variant of Uncertain Significance.